The following is an entry in ClinVar:

ClinVar aggregate classification (germline): Likely pathogenic. Review status: reviewed by expert panel (3 of 4 stars). 3 submissions from 3 submitters: Likely pathogenic (1). 2 of the submissions do not count toward it. Last evaluated 2020-10-16.

Conditions:
Phenylketonuria (PKU). Also called: Phenylketonurias; Phenylketonuria (PKU); OLIGOPHRENIA PHENYLPYRUVICA; FOLLING DISEASE. Identifiers: Orphanet 716, MedGen C0031485, MONDO:0009861, OMIM 261600. Disease mechanism: loss of function.

Allele frequency attached by ClinVar (database versions not stated): gnomAD exomes below 0.00001.

Submissions (3):

ClinGen PAH Variant Curation Expert Panel
Classification: Likely pathogenic for Phenylketonuria. Last evaluated: 2020-10-16. Review status: reviewed by expert panel. Criteria: ClinGen PAH ACMG Specifications v1. Collection method: curation. Allele origin: germline. Inheritance: Autosomal recessive inheritance.
Comment: The c.124_126del (p.Lys42del) PAH variant has been reported in 2 patients with PAH deficiency, detected with the pathogenic PAH variant p.Arg111Ter (PMID: 30050108) and the likely pathogenic PAH variant c.824C>T (PMID: 27243974). A defect in BH4 metabolism was not excluded. This variant is absent from population databases. The protein length changes as a result of an in-frame deletion in a non-repeat region. In summary, this variant meets criteria to be classified as likely pathogenic for PAH. PAH-specific ACMG/AMP criteria applied: PM2, PM3_strong, PM4, PP4.

Baylor Genetics
Classification: Likely pathogenic for Phenylketonuria. Last evaluated: 2022-11-14. Review status: criteria provided, single submitter. Criteria: ACMG Guidelines, 2015. Collection method: clinical testing. Allele origin: unknown. Not counted in ClinVar's aggregate classification.

Counsyl
Classification: Uncertain significance for Phenylketonuria. Last evaluated: 2017-06-01. Review status: no assertion criteria provided. Collection method: clinical testing. Allele origin: unknown. Not counted in ClinVar's aggregate classification.

Literature cited by the submitters: PubMed 30050108 (cited by ClinGen PAH Variant Curation Expert Panel); PubMed 27243974 (cited by ClinGen PAH Variant Curation Expert Panel and Counsyl).

NM_000277.3(PAH):c.124_126del (p.Lys42del)

Gene: PAH (phenylalanine hydroxylase; minus strand). Cytogenetic location: 12q23.2.
Variant type: Deletion.
Coding change: c.124_126del on transcript NM_000277.3 (MANE Select); coding-DNA positions 124 to 126, 3 bases deleted (AAA; older notation c.124_126delAAA).
Protein change: p.Lys42del; deletes lysine 42.
Molecular consequence: inframe deletion.
Genome position (GRCh38, 1-based): chr12:102,912,833-102,912,835, TTT deleted on the plus strand (AAA on the coding strand, the reverse complement: PAH is on the minus strand). VCF-style (leftmost placement, unchanged base first): chr12-102912832-CTTT-C. GRCh37 (hg19) VCF-style: chr12-103306610-CTTT-C.
Other names: c.124_126del, p.Lys42del (NM_001354304.2); short protein forms K42del.
Identifiers: ClinVar variation 552279 (VCV000552279.4), dbSNP rs1555209578, ClinGen allele CA658821284.
Genomic context (GRCh38, chr12:102,912,832, plus strand): 5'-ACATGATTGTAGCACTGACCTCAAATAAGCGCAATACTTTGGCCAATGCACCAACTTCTT[CTTT>C]GAGTGAGAAGATCAGTGATATGGCACCATTTTGATTGCAGTTGTCTTCAATATAGCTTGT-3'